The following is an entry in ClinVar:

ClinVar aggregate classification (germline): Uncertain significance (1 of 4 stars; one submission).

Allele frequency attached by ClinVar (database versions not stated): TOPMed 0.00001; gnomAD exomes 0.00002; ExAC 0.00003; ESP Exome Variant Server 0.00008.
gnomAD v4.1: 15 of 1,614,108 alleles (0.00093%); highest among the groups gnomAD compares: Middle Eastern, 0.016%; no homozygotes.

Submission:

Labcorp Genetics (formerly Invitae), Labcorp
Classification: Uncertain significance. Last evaluated: 2022-06-27. Review status: criteria provided, single submitter. Criteria: Invitae Variant Classification Sherloc (09022015). Collection method: clinical testing. Allele origin: germline.
Comment: This variant is present in population databases (rs372274809, gnomAD 0.004%). This sequence change falls in intron 7 of the ANKH gene. It does not directly change the encoded amino acid sequence of the ANKH protein. It affects a nucleotide within the consensus splice site. In summary, the available evidence is currently insufficient to determine the role of this variant in disease. Therefore, it has been classified as a Variant of Uncertain Significance. Variants that disrupt the consensus splice site are a relatively common cause of aberrant splicing (PMID: 17576681, 9536098). Algorithms developed to predict the effect of sequence changes on RNA splicing suggest that this variant may disrupt the consensus splice site. This variant has not been reported in the literature in individuals affected with ANKH-related conditions.

Literature cited by the submitters: PubMed 17576681; PubMed 9536098.

NM_054027.6(ANKH):c.915+5G>C

Gene: ANKH (ANKH inorganic pyrophosphate transport regulator; minus strand). Cytogenetic location: 5p15.2.
Variant type: single nucleotide variant.
Coding change: c.915+5G>C on transcript NM_054027.6 (MANE Select); 5 bases into the intron after coding-DNA position 915, G replaced by C.
Molecular consequence: intron variant.
Genome position (GRCh38, 1-based): chr5:14,745,865, C>G on the plus strand (G>C on the coding strand, the complement: ANKH is on the minus strand). VCF-style: chr5-14745865-C-G. GRCh37 (hg19) VCF-style: chr5-14745974-C-G.
Identifiers: ClinVar variation 1420541 (VCV001420541.6), dbSNP rs372274809, ClinGen allele CA3208996.